The following is an entry in ClinVar:

ClinVar aggregate classification (germline): Uncertain significance. Review status: criteria provided, multiple submitters, no conflicts (2 of 4 stars). 3 submissions from 3 submitters: Uncertain significance (3). Last evaluated 2025-08-23.

Conditions:
Hereditary cancer-predisposing syndrome. Also called: Neoplastic Syndromes, Hereditary; Tumor predisposition; Hereditary Cancer Syndrome; Hereditary neoplastic syndrome. Identifiers: Orphanet 140162, MedGen C0027672, MeSH D009386, MONDO:0015356.
Familial cancer of breast. Also called: BREAST CANCER, FAMILIAL; hereditary breast carcinoma; Hereditary breast cancer. Identifiers: Orphanet 227535, MedGen C0346153, MONDO:0016419, OMIM 114480. Disease mechanism: loss of function.

Allele frequency attached by ClinVar (database versions not stated): gnomAD exomes below 0.00001; ExAC 0.00001.
gnomAD v4.1: 7 of 1,614,122 alleles (0.00043%); highest among the groups gnomAD compares: South Asian, 0.0033%; no homozygotes.

Submissions (3):

Ambry Genetics
Classification: Uncertain significance for Hereditary cancer-predisposing syndrome. Last evaluated: 2025-08-23. Review status: criteria provided, single submitter. Criteria: Ambry Variant Classification Scheme 2023. Collection method: clinical testing. Allele origin: germline.
Comment: The p.S329P variant (also known as c.985T>C), located in coding exon 4 of the BARD1 gene, results from a T to C substitution at nucleotide position 985. The serine at codon 329 is replaced by proline, an amino acid with similar properties. This amino acid position is conserved. In addition, this alteration is predicted to be tolerated by in silico analysis. Since supporting evidence is limited at this time, the clinical significance of this alteration remains unclear.

Labcorp Genetics (formerly Invitae), Labcorp
Classification: Uncertain significance for Familial cancer of breast. Last evaluated: 2025-07-05. Review status: criteria provided, single submitter. Criteria: Invitae Variant Classification Sherloc (09022015). Collection method: clinical testing. Allele origin: germline.
Comment: This sequence change replaces serine, which is neutral and polar, with proline, which is neutral and non-polar, at codon 329 of the BARD1 protein (p.Ser329Pro). This variant is present in population databases (rs769493354, gnomAD 0.003%). This variant has not been reported in the literature in individuals affected with BARD1-related conditions. ClinVar contains an entry for this variant (Variation ID: 460770). An algorithm developed to predict the effect of missense changes on protein structure and function outputs the following: PolyPhen-2: "Benign". The proline amino acid residue is found in multiple mammalian species, which suggests that this missense change does not adversely affect protein function. In summary, the available evidence is currently insufficient to determine the role of this variant in disease. Therefore, it has been classified as a Variant of Uncertain Significance.

Color Diagnostics, LLC DBA Color Health
Classification: Uncertain significance for Hereditary cancer-predisposing syndrome. Last evaluated: 2024-03-06. Review status: criteria provided, single submitter. Criteria: ACMG Guidelines, 2015. Collection method: clinical testing. Allele origin: germline.
Comment: This missense variant replaces serine with proline at codon 329 of the BARD1 protein. Computational prediction suggests that this variant may not impact protein structure and function (internally defined REVEL score threshold <= 0.5, PMID: 27666373). Splice site prediction tools suggest that this variant may not impact RNA splicing. To our knowledge, functional studies have not been performed for this variant. This variant has not been reported in individuals affected with hereditary cancer in the literature. This variant has been identified in 1/251066 chromosomes in the general population by the Genome Aggregation Database (gnomAD). The available evidence is insufficient to determine the role of this variant in disease conclusively. Therefore, this variant is classified as a Variant of Uncertain Significance.

NM_000465.4(BARD1):c.985T>C (p.Ser329Pro)

Gene: BARD1 (BRCA1 associated RING domain 1; minus strand). Cytogenetic location: 2q35.
Variant type: single nucleotide variant.
Coding change: c.985T>C on transcript NM_000465.4 (MANE Select); coding-DNA position 985, T replaced by C.
Protein change: p.Ser329Pro; replaces serine 329 with proline.
Molecular consequence: missense variant. On other transcripts: non-coding transcript variant (2), intron variant (3).
Genome position (GRCh38, 1-based): chr2:214,780,889, A>G on the plus strand (T>C on the coding strand, the complement: BARD1 is on the minus strand). VCF-style: chr2-214780889-A-G. GRCh37 (hg19) VCF-style: chr2-215645613-A-G.
Other names: c.928T>C, p.Ser310Pro (NM_001282543.2); c.159-28334T>C (NM_001282548.2); c.215+16172T>C (NM_001282545.2); c.364+11408T>C (NM_001282549.2); c.985T>C (NM_000465.2); short protein forms S329P, S310P.
Identifiers: ClinVar variation 460770 (VCV000460770.19), dbSNP rs769493354, ClinGen allele CA2090353.